The following is an entry in ClinVar:

ClinVar aggregate classification (germline): Uncertain significance. Review status: criteria provided, multiple submitters, no conflicts (2 of 4 stars). 2 submissions from 2 submitters: Uncertain significance (2). Last evaluated 2023-12-30.

Conditions:
Hereditary cancer-predisposing syndrome. Also called: Hereditary Cancer Syndrome; Hereditary neoplastic syndrome; Neoplastic Syndromes, Hereditary; Tumor predisposition. Identifiers: Orphanet 140162, MedGen C0027672, MeSH D009386, MONDO:0015356.

Allele frequency attached by ClinVar (database versions not stated): gnomAD exomes below 0.00001.

Submissions (2):

Ambry Genetics
Classification: Uncertain significance for Hereditary cancer-predisposing syndrome. Last evaluated: 2023-12-30. Review status: criteria provided, single submitter. Criteria: Ambry Variant Classification Scheme 2023. Collection method: clinical testing. Allele origin: germline.
Comment: The p.I52V variant (also known as c.154A>G), located in coding exon 2 of the RAD50 gene, results from an A to G substitution at nucleotide position 154. The isoleucine at codon 52 is replaced by valine, an amino acid with highly similar properties. This variant was not reported in population based cohorts in the following databases: Database of Single Nucleotide Polymorphisms (dbSNP), NHLBI Exome Sequencing Project (ESP), and 1000 Genomes Project. In the ESP, this variant was not observed in 6486 samples (12972 alleles) with coverage at this position. To date, this alteration has been detected with an allele frequency of approximately 0.001% (greater than 175000 alleles tested) in our clinical cohort. This amino acid position is well conserved in available vertebrate species. In addition, this alteration is predicted to be tolerated by in silico analysis. Since supporting evidence is limited at this time, the clinical significance of this alteration remains unclear.

Labcorp Genetics (formerly Invitae), Labcorp
Classification: Uncertain significance for Hereditary cancer-predisposing syndrome. Last evaluated: 2023-09-14. Review status: criteria provided, single submitter. Criteria: Invitae Variant Classification Sherloc (09022015). Collection method: clinical testing. Allele origin: germline.
Comment: Advanced modeling of protein sequence and biophysical properties (such as structural, functional, and spatial information, amino acid conservation, physicochemical variation, residue mobility, and thermodynamic stability) performed at Invitae indicates that this missense variant is not expected to disrupt RAD50 protein function. ClinVar contains an entry for this variant (Variation ID: 408408). This variant has not been reported in the literature in individuals affected with RAD50-related conditions. This variant is not present in population databases (gnomAD no frequency). This sequence change replaces isoleucine, which is neutral and non-polar, with valine, which is neutral and non-polar, at codon 52 of the RAD50 protein (p.Ile52Val). In summary, the available evidence is currently insufficient to determine the role of this variant in disease. Therefore, it has been classified as a Variant of Uncertain Significance.

NM_005732.4(RAD50):c.154A>G (p.Ile52Val)

Gene: RAD50 (RAD50 double strand break repair protein; plus strand). Cytogenetic location: 5q31.1.
Variant type: single nucleotide variant.
Coding change: c.154A>G on transcript NM_005732.4 (MANE Select); coding-DNA position 154, A replaced by G.
Protein change: p.Ile52Val; replaces isoleucine 52 with valine.
Molecular consequence: missense variant.
Genome position (GRCh38, 1-based): chr5:132,559,308, A>G. VCF-style: chr5-132559308-A-G. GRCh37 (hg19) VCF-style: chr5-131895000-A-G.
Other names: short protein forms I52V.
Identifiers: ClinVar variation 408408 (VCV000408408.15), dbSNP rs1060501969, ClinGen allele CA16611704.
Genomic context (GRCh38, chr5:132,559,308, plus strand): 5'-CTTATAACGAAATAATGTAATTTTCTATTTCTTTAGACCATCATTGAATGTCTAAAATAT[A>G]TTTGTACTGGAGATTTCCCTCCTGGAACCAAAGGAAATACATTTGTACACGATCCCAAGG-3'
Protein context (NP_005723.2, residues 42-62): KTTIIECLKY[Ile52Val]CTGDFPPGTK